The following is an entry in ClinVar:

ClinVar aggregate classification (germline): Pathogenic (1 of 4 stars; one submission).

Conditions:
Charcot-Marie-Tooth disease type 4. Also called: Charcot-Marie-Tooth, Type 4; Charcot-Marie-Tooth disease, type IV. Identifiers: Orphanet 64749, MedGen C4082197, MONDO:0018995.

Submission:

Labcorp Genetics (formerly Invitae), Labcorp
Classification: Pathogenic for Charcot-Marie-Tooth disease type 4. Last evaluated: 2022-11-07. Review status: criteria provided, single submitter. Criteria: Invitae Variant Classification Sherloc (09022015). Collection method: clinical testing. Allele origin: germline.
Comment: For these reasons, this variant has been classified as Pathogenic. This variant disrupts a region of the FGD4 protein in which other variant(s) (p.Ala738Serfs*5) have been determined to be pathogenic (PMID: 31152969). This suggests that this is a clinically significant region of the protein, and that variants that disrupt it are likely to be disease-causing. ClinVar contains an entry for this variant (Variation ID: 408262). This variant has not been reported in the literature in individuals affected with FGD4-related conditions. This variant is not present in population databases (gnomAD no frequency). This sequence change creates a premature translational stop signal (p.Gln681Argfs*31) in the FGD4 gene. While this is not anticipated to result in nonsense mediated decay, it is expected to disrupt the last 86 amino acid(s) of the FGD4 protein.

Literature cited by the submitters: PubMed 31152969.

NM_001370298.3(FGD4):c.2452del (p.Gln818fs)

Gene: FGD4 (FYVE, RhoGEF and PH domain containing 4; plus strand). Cytogenetic location: 12p11.21.
Variant type: Deletion.
Coding change: c.2452del on transcript NM_001370298.3 (MANE Select); coding-DNA position 2452, one base deleted (C; older notation c.2452delC).
Protein change: p.Gln818fs; shifts the reading frame from glutamine 818.
Molecular consequence: frameshift variant.
Genome position (GRCh38, 1-based): chr12:32,638,793, C deleted; the last of 6 consecutive C bases (chr12:32,638,788-32,638,793); deleting any one gives the same sequence. VCF-style (leftmost placement, unchanged base first): chr12-32638787-GC-G. GRCh37 (hg19) VCF-style: chr12-32791721-GC-G.
Other names: c.2041delC (NM_139241.3); c.2296delC, p.Gln766Argfs (NM_001304481.2); c.1297del, p.Gln433fs (NM_001304483.2); c.1009del, p.Gln337fs (NM_001304484.2); c.1762del, p.Gln588fs (NM_001330373.2, NM_001330374.2, NM_001384130.1); c.1489del, p.Gln497fs (NM_001370297.1); c.2452del, p.Gln818fs (NM_001384126.1); c.2041del, p.Gln681fs (NM_001384127.1, NM_001384128.1, NM_001385118.1 and 1 more transcripts); short protein forms Q433fs, Q497fs, Q588fs, Q681fs, Q766fs, Q337fs, Q818fs.
Identifiers: ClinVar variation 408262 (VCV000408262.6), dbSNP rs1060501904, ClinGen allele CA16614115.